The following is an entry in ClinVar:

ClinVar aggregate classification (germline): Uncertain significance (1 of 4 stars; one submission).

Conditions:
Autosomal recessive early-onset Parkinson disease 6 (PARK6). Also called: PINK1-Related Parkinson Disease; PINK1 Type of Young-Onset Parkinson Disease; PARKINSON DISEASE 6, MODIFIER OF; PARKINSON DISEASE 6, EARLY-ONSET. Identifiers: Orphanet 2828, MedGen C1853833, MONDO:0011613, OMIM 605909.

Submission:

Victorian Clinical Genetics Services, Murdoch Childrens Research Institute
Classification: Uncertain significance for Autosomal recessive early-onset Parkinson disease 6. Last evaluated: 2022-02-02. Review status: criteria provided, single submitter. Criteria: ACMG Guidelines, 2015. Collection method: clinical testing. Allele origin: germline. Inheritance: Autosomal recessive inheritance. Affected: yes.
Comment: Based on the classification scheme VCGS_Germline_v1.3.4, this variant is classified as VUS-3A. Following criteria are met: 0102 - Loss of function is a known mechanism of disease in this gene and is associated with Parkinson disease 6, early onset (MIM#605909). (I) 0106 - This gene is associated with autosomal recessive disease. (I) 0200 - Variant is predicted to result in a missense amino acid change from proline to serine. (I) 0251 - This variant is heterozygous. (I) 0301 - Variant is absent from gnomAD (both v2 and v3). (SP) 0502 - Missense variant with conflicting in silico predictions and uninformative conservation. (I) 0600 - Variant is located in the annotated protein kinase domain (UniProt). (I) 0705 - No comparable missense variants have previous evidence for pathogenicity. (I) 0807 - This variant has no previous evidence of pathogenicity. (I) 0905 - No published segregation evidence has been identified for this variant. (I) 1007 - No published functional evidence has been identified for this variant. (I) 1208 - Inheritance information for this variant is not currently available in this individual. (I) Legend: (SP) - Supporting pathogenic, (I) - Information, (SB) - Supporting benign

NM_032409.3(PINK1):c.898C>T (p.Pro300Ser)

Genes: PINK1 (PTEN induced kinase 1; plus strand), PINK1-AS (PINK1 antisense RNA; minus strand). Cytogenetic location: 1p36.12.
Variant type: single nucleotide variant.
Coding change: c.898C>T on transcript NM_032409.3 (MANE Select); coding-DNA position 898, C replaced by T.
Protein change: p.Pro300Ser; replaces proline 300 with serine.
Molecular consequence: missense variant.
Genome position (GRCh38, 1-based): chr1:20,644,611, C>T. VCF-style: chr1-20644611-C-T. GRCh37 (hg19) VCF-style: chr1-20971104-C-T.
Other names: short protein forms P300S.
Identifiers: ClinVar variation 1699183 (VCV001699183.3), dbSNP rs2154533833, ClinGen allele CA338832609.